The following is an entry in ClinVar:

ClinVar aggregate classification (germline): Pathogenic (1 of 4 stars; one submission).

Conditions:
Neurofibromatosis, type 1 (NF1). Also called: Neurofibromatosis, type I; NEUROFIBROMATOSIS, TYPE I, SOMATIC; Peripheral type neurofibromatosis; VON RECKLINGHAUSEN DISEASE. Identifiers: Orphanet 636, MedGen C0027831, MONDO:0018975, OMIM 162200. Disease mechanism: loss of function.

Submission:

Labcorp Genetics (formerly Invitae), Labcorp
Classification: Pathogenic for Neurofibromatosis, type 1. Last evaluated: 2023-05-16. Review status: criteria provided, single submitter. Criteria: Invitae Variant Classification Sherloc (09022015). Collection method: clinical testing. Allele origin: germline.
Comment: For these reasons, this variant has been classified as Pathogenic. This variant has not been reported in the literature in individuals affected with NF1-related conditions. This variant is not present in population databases (gnomAD no frequency). This sequence change creates a premature translational stop signal (p.Cys277*) in the NF1 gene. It is expected to result in an absent or disrupted protein product. Loss-of-function variants in NF1 are known to be pathogenic (PMID: 10712197, 23913538).

Literature cited by the submitters: PubMed 10712197; PubMed 23913538.

NM_001042492.3(NF1):c.831T>A (p.Cys277Ter)

Gene: NF1 (neurofibromin 1; plus strand). Cytogenetic location: 17q11.2.
Variant type: single nucleotide variant.
Coding change: c.831T>A on transcript NM_001042492.3 (MANE Select); coding-DNA position 831, T replaced by A.
Protein change: p.Cys277Ter; replaces cysteine 277 with a stop codon.
Molecular consequence: nonsense.
Genome position (GRCh38, 1-based): chr17:31,182,608, T>A. VCF-style: chr17-31182608-T-A. GRCh37 (hg19) VCF-style: chr17-29509626-T-A.
Other names: c.831T>A, p.Cys277Ter (NM_000267.4, NM_001128147.3); short protein forms C277*.
Identifiers: ClinVar variation 2864730 (VCV002864730.3), dbSNP rs2143786248, ClinGen allele CA398991035.
Genomic context (GRCh38, chr17:31,182,608, plus strand): 5'-TGAAAGCACCAAACGTAAAGCAGCAGTTTGGCCACTACAAATCATTCTCCTTATCTTGTG[T>A]CCAGAAATAATCCAGGATATATCCAAAGACGTGGTTGATGAAAACAACATGAATAAGGTA-3'